The following is an entry in ClinVar:

ClinVar aggregate classification (germline): Likely benign. Review status: criteria provided, multiple submitters, no conflicts (2 of 4 stars). 2 submissions from 2 submitters: Likely benign (2). Last evaluated 2025-12-08.

Allele frequency attached by ClinVar (database versions not stated): ExAC 0.00002; gnomAD exomes 0.00002; TOPMed 0.00004; gnomAD 0.00005 and 0.00006.
gnomAD v4.1: 105 of 1,614,004 alleles (0.0065%); highest among the groups gnomAD compares: Non-Finnish European, 0.0078%; no homozygotes.

Submissions (2):

Labcorp Genetics (formerly Invitae), Labcorp
Classification: Likely benign. Last evaluated: 2025-12-08. Review status: criteria provided, single submitter. Criteria: Invitae Variant Classification Sherloc (09022015). Collection method: clinical testing. Allele origin: germline.

CeGaT Center for Human Genetics Tuebingen
Classification: Likely benign. Last evaluated: 2022-12-01. Review status: criteria provided, single submitter. Criteria: CeGaT Center For Human Genetics Tuebingen Variant Classification Criteria Version 2. Collection method: clinical testing. Allele origin: germline. Affected: yes. Observed: 1 variant allele.
Comment: ACVR1: BP4, BP7

NM_001111067.4(ACVR1):c.180C>T (p.Asn60=)

Gene: ACVR1 (activin A receptor type 1; minus strand). Cytogenetic location: 2q24.1.
Variant type: single nucleotide variant.
Coding change: c.180C>T on transcript NM_001111067.4 (MANE Select); coding-DNA position 180, C replaced by T.
Protein change: p.Asn60=; no amino-acid change (asparagine 60 retained).
Molecular consequence: synonymous variant.
Genome position (GRCh38, 1-based): chr2:157,780,488, G>A on the plus strand (C>T on the coding strand, the complement: ACVR1 is on the minus strand). VCF-style: chr2-157780488-G-A. GRCh37 (hg19) VCF-style: chr2-158637000-G-A.
Other names: c.180C>T, p.Asn60= (NM_001105.5, NM_001347663.1, NM_001347664.1 and 3 more transcripts).
Identifiers: ClinVar variation 1547918 (VCV001547918.31), dbSNP rs55728089, ClinGen allele CA1919210.
Genomic context (GRCh38, chr2:157,780,488, plus strand): 5'-GGTCATCTTTCCCTGCTCATAAACCTGGAAGCAGCCTTTCTGGTAGACGTGGAAGCCATC[G>A]TTGATGCTCAGTGAGGAAAAGCACTGCTGGCCTTCACAGTGGTCCTCATTACCGCAGGAG-3'
Protein context (NP_001104537.1, residues 50-70): GQQCFSSLSI[Asn60=]DGFHVYQKGC